The following is an entry in ClinVar:

ClinVar aggregate classification (germline): Likely benign. Review status: criteria provided, multiple submitters, no conflicts (2 of 4 stars). 2 submissions from 2 submitters: Likely benign (2). Last evaluated 2024-02-15.

gnomAD v4.1: 48 of 1,614,222 alleles (0.003%); highest among the groups gnomAD compares: South Asian, 0.022%; no homozygotes.

Submissions (2):

Labcorp Genetics (formerly Invitae), Labcorp
Classification: Likely benign. Last evaluated: 2024-02-15. Review status: criteria provided, single submitter. Criteria: Invitae Variant Classification Sherloc (09022015). Collection method: clinical testing. Allele origin: germline.

CeGaT Center for Human Genetics Tuebingen
Classification: Likely benign. Last evaluated: 2023-04-01. Review status: criteria provided, single submitter. Criteria: CeGaT Center For Human Genetics Tuebingen Variant Classification Criteria Version 2. Collection method: clinical testing. Allele origin: germline. Affected: yes. Observed: 1 variant allele.
Comment: HIVEP2: BP4, BP7

NM_006734.4(HIVEP2):c.4143C>T (p.Asn1381=)

Gene: HIVEP2 (HIVEP zinc finger 2; minus strand). Cytogenetic location: 6q24.2.
Variant type: single nucleotide variant.
Coding change: c.4143C>T on transcript NM_006734.4 (MANE Select); coding-DNA position 4143, C replaced by T.
Protein change: p.Asn1381=; no amino-acid change (asparagine 1381 retained).
Molecular consequence: synonymous variant.
Genome position (GRCh38, 1-based): chr6:142,770,596, G>A on the plus strand (C>T on the coding strand, the complement: HIVEP2 is on the minus strand). VCF-style: chr6-142770596-G-A. GRCh37 (hg19) VCF-style: chr6-143091733-G-A.
Identifiers: ClinVar variation 2158273 (VCV002158273.28), dbSNP rs538728299, ClinGen allele CA4028124.